The following is an entry in ClinVar:

ClinVar aggregate classification (germline): Uncertain significance (1 of 4 stars; one submission).

Conditions:
Epidermolysis bullosa simplex with nail dystrophy (EBS5D). Identifiers: MedGen C4225309, MONDO:0014661, OMIM 616487.
Epidermolysis bullosa simplex 5C, with pyloric atresia (EBS5C). Also called: PLEC-Related Epidermolysis Bullosa with Pyloric Atresia; Epidermolysis bullosa simplex with pyloric atresia; PLEC1-Related Epidermolysis Bullosa with Pyloric Atresia. Identifiers: Orphanet 158684, MedGen C2677349, MONDO:0012807, OMIM 612138.
Autosomal recessive limb-girdle muscular dystrophy type 2Q (LGMDR17). Also called: MUSCULAR DYSTROPHY, LIMB-GIRDLE, AUTOSOMAL RECESSIVE 17. Identifiers: Orphanet 254361, MedGen C3150989, MONDO:0013390, OMIM 613723.
Epidermolysis bullosa simplex, Ogna type (EBS5A). Also called: Pidermolysis bullosa simplex 5A, Ogna type; EPIDERMOLYSIS BULLOSA SIMPLEX 5A, OGNA TYPE. Identifiers: Orphanet 79401, MedGen C0432317, MONDO:0007555, OMIM 131950.
Epidermolysis bullosa simplex 5B, with muscular dystrophy (EBS5B). Also called: EPIDERMOLYSIS BULLOSA SIMPLEX AND LIMB-GIRDLE MUSCULAR DYSTROPHY; Epidermolysis bullosa simplex with muscular dystrophy. Identifiers: Orphanet 257, MedGen C2931072, MONDO:0009181, OMIM 226670.

Allele frequency attached by ClinVar (database versions not stated): TOPMed below 0.00001; gnomAD 0.00001.
gnomAD v4.1: 9 of 1,612,412 alleles (0.00056%); highest among the groups gnomAD compares: Admixed American, 0.0033%; no homozygotes.

Submission:

Labcorp Genetics (formerly Invitae), Labcorp
Classification: Uncertain significance for Autosomal recessive limb-girdle muscular dystrophy type 2Q; Epidermolysis bullosa simplex, Ogna type; Epidermolysis bullosa simplex with nail dystrophy; Epidermolysis bullosa simplex 5C, with pyloric atresia; Epidermolysis bullosa simplex 5B, with muscular dystrophy. Last evaluated: 2023-12-25. Review status: criteria provided, single submitter. Criteria: Invitae Variant Classification Sherloc (09022015). Collection method: clinical testing. Allele origin: germline.
Comment: This sequence change replaces arginine, which is basic and polar, with histidine, which is basic and polar, at codon 638 of the PLEC protein (p.Arg638His). This variant is present in population databases (rs782391070, gnomAD 0.006%). This variant has not been reported in the literature in individuals affected with PLEC-related conditions. Advanced modeling of protein sequence and biophysical properties (such as structural, functional, and spatial information, amino acid conservation, physicochemical variation, residue mobility, and thermodynamic stability) performed at Invitae indicates that this missense variant is not expected to disrupt PLEC protein function with a negative predictive value of 80%. In summary, the available evidence is currently insufficient to determine the role of this variant in disease. Therefore, it has been classified as a Variant of Uncertain Significance.

NM_201384.3(PLEC):c.1832G>A (p.Arg611His)

Gene: PLEC (plectin; minus strand). Cytogenetic location: 8q24.3.
Variant type: single nucleotide variant.
Coding change: c.1832G>A on transcript NM_201384.3 (MANE Select); coding-DNA position 1832, G replaced by A.
Protein change: p.Arg611His; replaces arginine 611 with histidine.
Molecular consequence: missense variant.
Genome position (GRCh38, 1-based): chr8:143,932,545, C>T on the plus strand (G>A on the coding strand, the complement: PLEC is on the minus strand). VCF-style: chr8-143932545-C-T. GRCh37 (hg19) VCF-style: chr8-145006713-C-T.
Other names: c.1736G>A, p.Arg579His (NM_201381.3); c.1832G>A, p.Arg611His (NM_201382.4); c.1844G>A, p.Arg615His (NM_201383.3); c.1913G>A, p.Arg638His (NM_000445.5, NM_001410941.1); c.1790G>A, p.Arg597His (NM_201378.4); c.1766G>A, p.Arg589His (NM_201379.3); c.2243G>A, p.Arg748His (NM_201380.4); short protein forms R589H, R748H, R615H, R597H, R611H, R638H, R579H.
Identifiers: ClinVar variation 2933402 (VCV002933402.3), dbSNP rs782391070, ClinGen allele CA4927819.